The following is an entry in ClinVar:

ClinVar aggregate classification (germline): Uncertain significance (1 of 4 stars; one submission).

Allele frequency attached by ClinVar (database versions not stated): gnomAD 0.00003 and 0.00005; gnomAD exomes 0.00003 and 0.00006; TOPMed 0.00003; ExAC 0.00008; 1000 Genomes Project 30x 0.00047; 1000 Genomes Project 0.00060.
gnomAD v4.1: 47 of 1,614,146 alleles (0.0029%); highest among the groups gnomAD compares: East Asian, 0.071%; no homozygotes.

Submission:

Women's Health and Genetics/Laboratory Corporation of America, LabCorp
Classification: Uncertain significance. Last evaluated: 2022-03-01. Review status: criteria provided, single submitter. Criteria: LabCorp Variant Classification Summary - May 2015. Collection method: clinical testing. Allele origin: germline.
Comment: Variant summary: DCPS c.865G>A (p.Gly289Ser) results in a non-conservative amino acid change in the encoded protein sequence. Five of five in-silico tools predict a damaging effect of the variant on protein function. The variant allele was found at a frequency of 5.6e-05 in 251338 control chromosomes. This frequency does not allow conclusions about variant significance. To our knowledge, no occurrence of c.865G>A in individuals affected with Al-Raqad Syndrome and no experimental evidence demonstrating its impact on protein function have been reported. No clinical diagnostic laboratories have submitted clinical-significance assessments for this variant to ClinVar after 2014. Based on the evidence outlined above, the variant was classified as uncertain significance.

NM_014026.6(DCPS):c.865G>A (p.Gly289Ser)

Genes: DCPS (decapping enzyme, scavenger; plus strand), GSEC (G-quadruplex forming sequence containing lncRNA; minus strand). Cytogenetic location: 11q24.2.
Variant type: single nucleotide variant.
Coding change: c.865G>A on transcript NM_014026.6 (MANE Select); coding-DNA position 865, G replaced by A.
Protein change: p.Gly289Ser; replaces glycine 289 with serine.
Molecular consequence: missense variant.
Genome position (GRCh38, 1-based): chr11:126,345,464, G>A. VCF-style: chr11-126345464-G-A. GRCh37 (hg19) VCF-style: chr11-126215359-G-A.
Other names: c.886G>A, p.Gly296Ser (NM_001350236.2); short protein forms G289S, G296S.
Identifiers: ClinVar variation 1677037 (VCV001677037.1), dbSNP rs188923397, ClinGen allele CA6355177.